The following is an entry in ClinVar:

ClinVar aggregate classification (germline): Conflicting classifications of pathogenicity. Review status: criteria provided, conflicting classifications (1 of 4 stars). 8 submissions from 8 submitters: Uncertain significance (5); Likely benign (1). 2 of the submissions do not count toward it. Last evaluated 2025-08-07.

Conditions:
Hereditary breast ovarian cancer syndrome. Also called: Hereditary breast and ovarian cancer syndrome; Hereditary breast and ovarian cancer; Hereditary breast and ovarian cancer syndrome (HBOC); Breast and ovarian cancer; Hereditary breast and/or ovarian cancer syndrome; BRCA1- and BRCA2-Associated Hereditary Breast and Ovarian Cancer. Identifiers: Orphanet 145, MedGen C0677776, MeSH D061325, MONDO:0003582. Disease mechanism: loss of function.
BRCA2-related cancer predisposition. Identifiers: MedGen CN377758, MONDO:0700269.
Hereditary cancer-predisposing syndrome. Also called: Neoplastic Syndromes, Hereditary; Tumor predisposition; Hereditary neoplastic syndrome; Hereditary Cancer Syndrome. Identifiers: Orphanet 140162, MedGen C0027672, MeSH D009386, MONDO:0015356.
Breast-ovarian cancer, familial, susceptibility to, 2 (BROVCA2). Also called: BRCA2 Hereditary Breast and Ovarian Cancer. Identifiers: Orphanet 145, MedGen C2675520, MONDO:0012933, OMIM 612555. Disease mechanism: loss of function.

Allele frequency attached by ClinVar (database versions not stated): gnomAD exomes below 0.00001.
gnomAD v4.1: 1 of 1,614,124 alleles (0.000062%); highest among the groups gnomAD compares: Non-Finnish European, 0.000085%; no homozygotes.

Submissions (8):

Labcorp Genetics (formerly Invitae), Labcorp
Classification: Uncertain significance for Hereditary breast ovarian cancer syndrome. Last evaluated: 2025-08-07. Review status: criteria provided, single submitter. Criteria: Invitae Variant Classification Sherloc (09022015). Collection method: clinical testing. Allele origin: germline.
Comment: This sequence change replaces asparagine, which is neutral and polar, with aspartic acid, which is acidic and polar, at codon 3213 of the BRCA2 protein (p.Asn3213Asp). This variant is not present in population databases (gnomAD no frequency). This missense change has been observed in individual(s) with clinical features of BRCA2-related conditions (PMID: 10923033). ClinVar contains an entry for this variant (Variation ID: 52877). Invitae Evidence Modeling of protein sequence and biophysical properties (such as structural, functional, and spatial information, amino acid conservation, physicochemical variation, residue mobility, and thermodynamic stability) indicates that this missense variant is not expected to disrupt BRCA2 protein function with a negative predictive value of 95%. In summary, the available evidence is currently insufficient to determine the role of this variant in disease. Therefore, it has been classified as a Variant of Uncertain Significance.

Quest Diagnostics Nichols Institute San Juan Capistrano
Classification: Uncertain significance. Last evaluated: 2025-01-06. Review status: criteria provided, single submitter. Criteria: Quest Diagnostics criteria. Collection method: clinical testing. Allele origin: unknown.
Comment: The BRCA2 c.9637A>G (p.Asn3213Asp) variant has not been reported in the published literature in individuals with BRCA2-related conditions. This variant has not been reported in large, multi-ethnic general populations (Genome Aggregation Database). Analysis of this variant using bioinformatics tools for the prediction of the effect of amino acid changes on protein structure and function yielded predictions that this variant is benign. Based on the available information, we are unable to determine the clinical significance of this variant.

All of Us Research Program, National Institutes of Health
Classification: Uncertain significance for BRCA2-related cancer predisposition. Last evaluated: 2024-02-22. Review status: criteria provided, single submitter. Criteria: ACMG Guidelines, 2015. Collection method: clinical testing. Allele origin: germline. Inheritance: Autosomal dominant inheritance. Observed: 5 variant alleles, 5 heterozygotes.
Comment: This missense variant replaces asparagine with aspartic acid at codon 3213 of the BRCA2 protein. Computational prediction suggests that this variant may not impact protein structure and function (internally defined REVEL score threshold <= 0.5, PMID: 27666373). To our knowledge, functional studies have not been reported for this variant. This variant has been reported in a multifactorial analysis with co-occurrence and family history likelihood ratios for pathogenicity of 1.076 and 0.733, respectively (PMID: 31131967). This variant has not been identified in the general population by the Genome Aggregation Database (gnomAD). The available evidence is insufficient to determine the role of this variant in disease conclusively. Therefore, this variant is classified as a Variant of Uncertain Significance.

This study involves interpretation of variants in research participants for the purpose of population health screening. Participant phenotype was not available at the time of variant classification. Additional details can be found in publication PMID: 35346344, PMCID: PMC8962531

GeneDx
Classification: Uncertain significance. Last evaluated: 2022-07-29. Review status: criteria provided, single submitter. Criteria: GeneDx Variant Classification Process June 2021. Collection method: clinical testing. Allele origin: germline. Affected: yes.
Comment: Not observed at significant frequency in large population cohorts (gnomAD); In silico analysis supports that this missense variant does not alter protein structure/function; Has not been previously published as pathogenic or benign to our knowledge; Also known as 9865A>G; This variant is associated with the following publications: (PMID: 10923033, 27535533, 31131967)

Women's Health and Genetics/Laboratory Corporation of America, LabCorp
Classification: Uncertain significance. Last evaluated: 2021-10-31. Review status: criteria provided, single submitter. Criteria: LabCorp Variant Classification Summary - May 2015. Collection method: clinical testing. Allele origin: germline.

Ambry Genetics
Classification: Likely benign for Hereditary cancer-predisposing syndrome. Last evaluated: 2018-09-28. Review status: criteria provided, single submitter. Criteria: Ambry Variant Classification Scheme 2023. Collection method: clinical testing. Allele origin: germline.

Counsyl
Classification: Uncertain significance for Breast-ovarian cancer, familial, susceptibility to, 2. Last evaluated: 2017-03-22. Review status: no assertion criteria provided. Collection method: clinical testing. Allele origin: unknown. Not counted in ClinVar's aggregate classification.

Breast Cancer Information Core (BIC) (BRCA2)
Classification: Uncertain significance for Breast-ovarian cancer, familial 2. Last evaluated: 2003-12-23. Review status: no assertion criteria provided. Collection method: clinical testing. Allele origin: germline. Affected: yes. Observed: 2 variant alleles. Not counted in ClinVar's aggregate classification.

Literature cited by the submitters: PubMed 10923033 (cited by Labcorp Genetics (formerly Invitae), Labcorp); PubMed 30212499 (cited by Quest Diagnostics Nichols Institute San Juan Capistrano); PubMed 28569743 (cited by Quest Diagnostics Nichols Institute San Juan Capistrano); PubMed 31911673 (cited by Quest Diagnostics Nichols Institute San Juan Capistrano); PubMed 27535533 (cited by Quest Diagnostics Nichols Institute San Juan Capistrano); PubMed 31131967 (cited by Quest Diagnostics Nichols Institute San Juan Capistrano and All of Us Research Program, National Institutes of Health).

NM_000059.4(BRCA2):c.9637A>G (p.Asn3213Asp)

Gene: BRCA2 (BRCA2 DNA repair associated; plus strand). Cytogenetic location: 13q13.1.
Variant type: single nucleotide variant.
Coding change: c.9637A>G on transcript NM_000059.4 (MANE Select); coding-DNA position 9637, A replaced by G.
Protein change: p.Asn3213Asp; replaces asparagine 3213 with aspartic acid.
Molecular consequence: missense variant.
Genome position (GRCh38, 1-based): chr13:32,397,033, A>G. VCF-style: chr13-32397033-A-G. GRCh37 (hg19) VCF-style: chr13-32971170-A-G.
Other names: short protein forms N3213D.
Identifiers: ClinVar variation 52877 (VCV000052877.23), dbSNP rs80359235, ClinGen allele CA026242.